The following is an entry in ClinVar:

ClinVar aggregate classification (germline): Uncertain significance (1 of 4 stars; one submission).

Conditions:
Developmental and epileptic encephalopathy, 23 (DEE23). Also called: Epileptic encephalopathy, early infantile, 23. Identifiers: Orphanet 411986, MedGen C4014492, MONDO:0014371, OMIM 615859.

Allele frequency attached by ClinVar (database versions not stated): TOPMed below 0.00001; ExAC 0.00001; gnomAD exomes 0.00001.
gnomAD v4.1: 9 of 1,590,734 alleles (0.00057%); highest among the groups gnomAD compares: Non-Finnish European, 0.00077%; no homozygotes.

Submission:

Labcorp Genetics (formerly Invitae), Labcorp
Classification: Uncertain significance for Developmental and epileptic encephalopathy, 23. Last evaluated: 2022-07-25. Review status: criteria provided, single submitter. Criteria: Invitae Variant Classification Sherloc (09022015). Collection method: clinical testing. Allele origin: germline.
Comment: In summary, the available evidence is currently insufficient to determine the role of this variant in disease. Therefore, it has been classified as a Variant of Uncertain Significance. Algorithms developed to predict the effect of missense changes on protein structure and function (SIFT, PolyPhen-2, Align-GVGD) all suggest that this variant is likely to be tolerated. This variant has not been reported in the literature in individuals affected with DOCK7-related conditions. This variant is present in population databases (rs772186238, gnomAD 0.002%). This sequence change replaces cysteine, which is neutral and slightly polar, with serine, which is neutral and polar, at codon 686 of the DOCK7 protein (p.Cys686Ser).

NM_001367561.1(DOCK7):c.2057G>C (p.Cys686Ser)

Gene: DOCK7 (dedicator of cytokinesis 7; minus strand). Cytogenetic location: 1p31.3.
Variant type: single nucleotide variant.
Coding change: c.2057G>C on transcript NM_001367561.1 (MANE Select); coding-DNA position 2057, G replaced by C.
Protein change: p.Cys686Ser; replaces cysteine 686 with serine.
Molecular consequence: missense variant.
Genome position (GRCh38, 1-based): chr1:62,577,317, C>G on the plus strand (G>C on the coding strand, the complement: DOCK7 is on the minus strand). VCF-style: chr1-62577317-C-G. GRCh37 (hg19) VCF-style: chr1-63042988-C-G.
Other names: c.2057G>C, p.Cys686Ser (NM_001271999.2, NM_001272000.2, NM_001272001.2 and 2 more transcripts); short protein forms C686S.
Identifiers: ClinVar variation 2168138 (VCV002168138.2), dbSNP rs772186238, ClinGen allele CA886368.